The following is an entry in ClinVar:

ClinVar aggregate classification (germline): Pathogenic/Likely pathogenic; drug response. Review status: reviewed by expert panel (3 of 4 stars). 25 submissions from 19 submitters: Pathogenic (1); Likely pathogenic (1). 16 of the submissions do not count toward it. Last evaluated 2025-12-08.

Conditions:
RYR1-related myopathy. Identifiers: Orphanet 98742, MedGen CN305348, MONDO:0100150.
RYR1-related disorder. Also called: RYR1-related disorders; RYR1-related condition. Identifiers: MedGen CN239331.
Inborn genetic diseases. Identifiers: MedGen C0950123, MeSH D030342.
King Denborough syndrome (KDS). Identifiers: MedGen C1840365, MONDO:0020485, OMIM 619542.
Central core myopathy (CMYO1A). Also called: CONGENITAL MYOPATHY 1A, AUTOSOMAL DOMINANT, WITH SUSCEPTIBILITY TO MALIGNANT HYPERTHERMIA; Central core disease; Myopathy, central fibrillar. Identifiers: Orphanet 597, MedGen C5830701, MONDO:0007294, OMIM 117000.
Malignant hyperthermia, susceptibility to, 1 (MHS1). Also called: Anesthesia related hyperthermia; Malignant hyperpyrexia; Fulminating hyperpyrexia; Pharmacogenic myopathy; Malignant hyperthermia suceptibility 1; RYR1-Related Malignant Hyperthermia Susceptibility. Identifiers: Orphanet 423, MedGen C2930980, MONDO:0007783, OMIM 145600.
succinylcholine response - Toxicity.
isoflurane response - Toxicity.
methoxyflurane response - Toxicity.
sevoflurane response - Toxicity.
desflurane response - Toxicity.
enflurane response - Toxicity.
halothane response - Toxicity.

Allele frequency attached by ClinVar (database versions not stated): gnomAD exomes below 0.00001.
gnomAD v4.1: 1 of 1,613,550 alleles (0.000062%); highest among the groups gnomAD compares: African/African-American, 0.0013%; no homozygotes.

Submissions 1 to 10 of 25:

ClinGen Congenital Myopathies Variant Curation Expert Panel, ClinGen
Classification: Pathogenic for RYR1-related myopathy. Last evaluated: 2025-12-08. Review status: reviewed by expert panel. Criteria: ClinGen CongenMyopathy ACMG Specifications RYR1 AD V2.0.0. Collection method: curation. Allele origin: germline. Inheritance: Autosomal dominant inheritance.
Comment: The NM_000540.3(RYR1):c.1564C>T (p.Arg2452Trp) variant in the RYR1 gene is a missense variant predicted to cause substitution of arginine by tryptophan at amino acid 2452. The highest minor allele frequency in gnomAD v4.1.0 is 0.001% (1/75032 alleles) in the African/African American population which meets PM2_Supporting. The REVEL computational prediction analysis tool produced a score of 0.828, which is above the threshold of 0.7, evidence that correlates with impact to RYR1 function (PP3). Two different missense variants, Arg2452Pro and Arg2452Gln (ClinVar ID: 1210314, 133201), in the same codon have been classified as VUS on ClinVar (PM5 not applied). This variant has been reported in the heterozygous state in at least five probands with RYR1-related myopathy and segregated with disease in seven additional family members (1.25 PS4 pt, PS4; PP1_Strong; PMIDs: 22030266, 37510264, 21514828, VCEP internal contributor). In vitro functional studies in cells expressing the variant demonstrate a hypersensitive channel leading to significantly higher calcium release in response to agonist compared to wild type (PS3_moderate; PMIDs: 25086907, 27857962). In summary, the variant meets criteria to be classified as pathogenic for autosomal dominant RYR1-related myopathy. ACMG/AMP criteria met, as specified by the ClinGen Congenital Myopathies VCEP: PS4, PP1_Strong, PS3_Moderate, PM2_Supporting, PP3 (ClinGen Congenital Myopathies VCEP specifications version 2).

ClinGen Malignant Hyperthermia Susceptibility Variant Curation Expert Panel, ClinGen
Classification: Likely pathogenic for Malignant hyperthermia, susceptibility to, 1. Last evaluated: 2025-08-01. Review status: reviewed by expert panel. Criteria: RYR1-MHS Interpretation Guidelines V2. Collection method: curation. Allele origin: germline. Inheritance: Autosomal dominant inheritance.
Comment: This pathogenicity assessment is relevant only for malignant hyperthermia susceptibility (MHS) inherited in an autosomal dominant pattern. Variants in RYR1 can also cause other myopathies inherited in an autosomal dominant pattern or in an autosomal recessive pattern. Some of these disorders may predispose individuals to malignant hyperthermia. RYR1 variants may also contribute to a malignant hyperthermia reaction in combination with other genetic and non-genetic factors and the clinician needs to consider such factors in making management decisions. This sequence variant predicts a substitution of arginine with tryptophan at codon 2452 of the RYR1 protein, p.(Arg2452Trp). This variant was not present in a large population database (gnomAD) at the time this variant was interpreted. This variant has been reported in five unrelated individuals who have a personal or family history of a malignant hyperthermia reaction, all of these individuals had a positive in vitro contracture test (IVCT) or caffeine halothane contracture test (CHCT) result (if the proband was unavailable for testing, a positive diagnostic test result in a mutation-positive relative was counted), PS4_Moderate (PMID: 30236257, 10823104, 12059893, 24433488). This variant segregates with MHS in five families/individuals, PP1_Moderate (PMID:30236257, 10823104, 12059893, 25086907). A functional study in HEK293 cells shows an increased sensitivity to RYR1 agonists, PS3_Moderate (PMID: 25086907). This variant resides in a region of RYR1 considered to be a hotspot for pathogenic variants that contribute to MHS, PM1 (PMID: 21118704). A REVEL score of 0.828 supports neither a pathogenic nor a benign status for this variant. This variant has been classified as Likely Pathogenic. Criteria implemented: PS3_Moderate, PS4_Moderate, PM1, PP1_Moderate.

ClinPGx
Classification: drug response for desflurane response - Toxicity. Last evaluated: 2021-03-24. Review status: reviewed by expert panel. Criteria: Pharmacogenomics knowledge for personalized medicine. Collection method: curation. Allele origin: germline. Affected: yes.
Comment: PharmGKB Level of Evidence 1A: Level 1A clinical annotations describe variant-drug combinations that have variant-specific prescribing guidance available in a current clinical guideline annotation or an FDA-approved drug label annotation. Annotations of drug labels or clinical guidelines must give prescribing guidance for specific variants (e.g. CYP2C9*3, HLA-B*57:01) or provide mapping from defined allele functions to diplotypes and phenotypes to be used as supporting evidence for a level 1A clinical annotation. Level 1A clinical annotations must also be supported by at least one publication in addition to a clinical guideline or drug label with variant-specific prescribing guidance.

Drug is not necessarily used to treat response condition

ClinPGx
Classification: drug response for enflurane response - Toxicity. Last evaluated: 2021-03-24. Review status: reviewed by expert panel. Criteria: Pharmacogenomics knowledge for personalized medicine. Collection method: curation. Allele origin: germline. Affected: yes.
Comment: the same text as in the submission from ClinPGx above.

ClinPGx
Classification: drug response for halothane response - Toxicity. Last evaluated: 2021-03-24. Review status: reviewed by expert panel. Criteria: Pharmacogenomics knowledge for personalized medicine. Collection method: curation. Allele origin: germline. Affected: yes.
Comment: the same text as in the submission from ClinPGx above.

ClinPGx
Classification: drug response for isoflurane response - Toxicity. Last evaluated: 2021-03-24. Review status: reviewed by expert panel. Criteria: Pharmacogenomics knowledge for personalized medicine. Collection method: curation. Allele origin: germline. Affected: yes.
Comment: the same text as in the submission from ClinPGx above.

ClinPGx
Classification: drug response for methoxyflurane response - Toxicity. Last evaluated: 2021-03-24. Review status: reviewed by expert panel. Criteria: Pharmacogenomics knowledge for personalized medicine. Collection method: curation. Allele origin: germline. Affected: yes.
Comment: the same text as in the submission from ClinPGx above.

ClinPGx
Classification: drug response for sevoflurane response - Toxicity. Last evaluated: 2021-03-24. Review status: reviewed by expert panel. Criteria: Pharmacogenomics knowledge for personalized medicine. Collection method: curation. Allele origin: germline. Affected: yes.
Comment: the same text as in the submission from ClinPGx above.

ClinPGx
Classification: drug response for succinylcholine response - Toxicity. Last evaluated: 2021-03-24. Review status: reviewed by expert panel. Criteria: Pharmacogenomics knowledge for personalized medicine. Collection method: curation. Allele origin: germline. Affected: yes.
Comment: the same text as in the submission from ClinPGx above.

Ambry Genetics
Classification: Pathogenic for Inborn genetic diseases. Last evaluated: 2026-06-16. Review status: criteria provided, single submitter. Criteria: Ambry Variant Classification Scheme 2023. Collection method: clinical testing. Allele origin: germline. Not counted in ClinVar's aggregate classification.
Comment: The c.7354C>T (p.R2452W) alteration is located in exon 46 (coding exon 46) of the RYR1 gene. This alteration results from a C to T substitution at nucleotide position 7354, causing the arginine (R) at amino acid position 2452 to be replaced by a tryptophan (W). for autosomal dominant RYR1-related myopathy and classified as pathogenic for autosomal dominant RYR1-related malignant hyperthermia susceptibility; however, its clinical significance for autosomal recessive RYR1-related myopathy is uncertain. This variant was not reported in population-based cohorts in the Genome Aggregation Database (gnomAD). This variant was reported in individual(s) with features consistent with autosomal dominant RYR1-related myopathy (Dowling, 2011; Taylor, 2012; Maggi, 2013; Kushnir, 2020; Andrade, 2023; external communication). Additionally, this variant was reported in individual(s) with features consistent with RYR1-related malignant hyperthermia susceptibility (Chamley, 2000; Rueffert, 2002; Shepherd, 2004; Dowling, 2011; Roesl, 2014; Levano, 2017; Andrade, 2023). Other variant(s) at the same codon, c.7354C>G (p.R2452G) have been identified in individual(s) with features consistent with RYR1-related malignant hyperthermia susceptibility (Silva, 2025). This amino acid position is highly conserved in available vertebrate species. In an assay testing RYR1 function, this variant showed a functionally abnormal result (Roesl, 2014). This alteration is predicted to be deleterious by in silico analysis. Based on the available evidence, this alteration is classified as pathogenic.

NM_000540.3(RYR1):c.7354C>T (p.Arg2452Trp)

Gene: RYR1 (ryanodine receptor 1; plus strand). Cytogenetic location: 19q13.2.
Variant type: single nucleotide variant.
Coding change: c.7354C>T on transcript NM_000540.3 (MANE Select); coding-DNA position 7354, C replaced by T.
Protein change: p.Arg2452Trp; replaces arginine 2452 with tryptophan.
Molecular consequence: missense variant.
Genome position (GRCh38, 1-based): chr19:38,500,636, C>T. VCF-style: chr19-38500636-C-T. GRCh37 (hg19) VCF-style: chr19-38991276-C-T.
Other names: NM_000540.3(RYR1):c.7354C>T; c.7354C>T, p.Arg2452Trp (NM_001042723.2); short protein forms R2452W.
Identifiers: ClinVar variation 65979 (VCV000065979.72), dbSNP rs118192124, ClinGen allele CA024770.
Genomic context (GRCh38, chr19:38,500,636, plus strand): 5'-AGTGCCCCTCTCCCTCCCTCTACTCCCCAGCTAATCCAAGCCGGCAAGGGTGAGGCCCTG[C>T]GGATCCGCGCCATCCTCCGCTCCCTTGTGCCCTTGGAGGACCTTGTGGGCATCATCAGCC-3'
Protein context (NP_000531.2, residues 2442-2462): LIQAGKGEAL[Arg2452Trp]IRAILRSLVP